The following is an entry in ClinVar:

ClinVar aggregate classification (germline): Pathogenic. Review status: criteria provided, single submitter (1 of 4 stars). 2 submissions from 2 submitters: Pathogenic (1). 1 of the submissions does not count toward it. Last evaluated 2025-12-14.

Conditions:
Methylmalonic aciduria due to methylmalonyl-CoA mutase deficiency (MAMM). Also called: Methylmalonic aciduria, mut type. Identifiers: Orphanet 27, MedGen C1855114, MONDO:0009612, OMIM 251000.

Allele frequency attached by ClinVar (database versions not stated): gnomAD exomes below 0.00001.
gnomAD v4.1: 1 of 1,613,284 alleles (0.000062%); highest among the groups gnomAD compares: Non-Finnish European, 0.000085%; no homozygotes.

Submissions (2):

Labcorp Genetics (formerly Invitae), Labcorp
Classification: Pathogenic. Last evaluated: 2025-12-14. Review status: criteria provided, single submitter. Criteria: Invitae Variant Classification Sherloc (09022015). Collection method: clinical testing. Allele origin: germline.
Comment: This sequence change affects a donor splice site in intron 2 of the MUT gene. RNA analysis indicates that disruption of this splice site induces altered splicing and may result in an absent or altered protein product. This variant is not present in population databases (gnomAD no frequency). Disruption of this splice site has been observed in individual(s) with methylmalonic acidemia (PMID: 15643616). ClinVar contains an entry for this variant (Variation ID: 557041). Studies have shown that disruption of this splice site results in activation of a cryptic splice site, and produces a non-functional protein and/or introduces a premature termination codon (PMID: 15643616). For these reasons, this variant has been classified as Pathogenic.

Counsyl
Classification: Likely pathogenic for Methylmalonic aciduria due to methylmalonyl-CoA mutase deficiency. Last evaluated: 2018-03-06. Review status: no assertion criteria provided. Collection method: clinical testing. Allele origin: unknown. Not counted in ClinVar's aggregate classification.

Literature cited by the submitters: PubMed 15643616 (cited by Labcorp Genetics (formerly Invitae), Labcorp).

NM_000255.4(MMUT):c.385+2T>C

Gene: MMUT (methylmalonyl-CoA mutase; minus strand). Cytogenetic location: 6p12.3.
Variant type: single nucleotide variant.
Coding change: c.385+2T>C on transcript NM_000255.4 (MANE Select); the canonical splice donor site of the intron after coding-DNA position 385, T replaced by C.
Molecular consequence: splice donor variant.
Genome position (GRCh38, 1-based): chr6:49,459,080, A>G on the plus strand (T>C on the coding strand, the complement: MMUT is on the minus strand). VCF-style: chr6-49459080-A-G. GRCh37 (hg19) VCF-style: chr6-49426793-A-G.
Identifiers: ClinVar variation 557041 (VCV000557041.11), dbSNP rs1192889987, ClinGen allele CA364404845.